The following is an entry in ClinVar:

ClinVar aggregate classification (germline): Uncertain significance. Review status: criteria provided, multiple submitters, no conflicts (2 of 4 stars). 2 submissions from 2 submitters: Uncertain significance (2). Last evaluated 2025-11-06.

Conditions:
RAI1-related disorder. Also called: RAI1-related condition.

Allele frequency attached by ClinVar (database versions not stated): TOPMed below 0.00001; gnomAD exomes 0.00001; ExAC 0.00004.
gnomAD v4.1: 6 of 1,609,026 alleles (0.00037%); highest among the groups gnomAD compares: Admixed American, 0.01%; no homozygotes.

Submissions (2):

PreventionGenetics, part of Exact Sciences
Classification: Uncertain significance for RAI1-related condition. Last evaluated: 2025-11-06. Review status: criteria provided, single submitter. Criteria: ACMG Guidelines, 2015. Collection method: clinical testing. Allele origin: germline.
Comment: The RAI1 c.2608G>C variant is predicted to result in the amino acid substitution p.Glu870Gln. To our knowledge, this variant has not been reported in the literature. This variant is reported in 0.015% of alleles in individuals of Latino descent in gnomAD which may be too frequent to be a primary cause of disease. Although we suspect that this variant may be benign, at this time, the clinical significance of this variant is uncertain due to the absence of conclusive functional and genetic evidence.

Labcorp Genetics (formerly Invitae), Labcorp
Classification: Uncertain significance. Last evaluated: 2025-10-11. Review status: criteria provided, single submitter. Criteria: Invitae Variant Classification Sherloc (09022015). Collection method: clinical testing. Allele origin: germline.
Comment: This sequence change replaces glutamic acid, which is acidic and polar, with glutamine, which is neutral and polar, at codon 870 of the RAI1 protein (p.Glu870Gln). This variant is present in population databases (rs751678366, gnomAD 0.02%). This variant has not been reported in the literature in individuals affected with RAI1-related conditions. ClinVar contains an entry for this variant (Variation ID: 2086087). An algorithm developed to predict the effect of missense changes on protein structure and function (PolyPhen-2) suggests that this variant is likely to be disruptive. In summary, the available evidence is currently insufficient to determine the role of this variant in disease. Therefore, it has been classified as a Variant of Uncertain Significance.

NM_030665.4(RAI1):c.2608G>C (p.Glu870Gln)

Gene: RAI1 (retinoic acid induced 1; plus strand). Cytogenetic location: 17p11.2.
Variant type: single nucleotide variant.
Coding change: c.2608G>C on transcript NM_030665.4 (MANE Select); coding-DNA position 2608, G replaced by C.
Protein change: p.Glu870Gln; replaces glutamic acid 870 with glutamine.
Molecular consequence: missense variant.
Genome position (GRCh38, 1-based): chr17:17,795,556, G>C. VCF-style: chr17-17795556-G-C. GRCh37 (hg19) VCF-style: chr17-17698870-G-C.
Other names: c.2608G>C (NM_030665.3); short protein forms E870Q.
Identifiers: ClinVar variation 2086087 (VCV002086087.5), dbSNP rs751678366, ClinGen allele CA8418568.